The following is an entry in ClinVar:

ClinVar aggregate classification (germline): Conflicting classifications of pathogenicity. Review status: criteria provided, conflicting classifications (1 of 4 stars). 3 submissions from 3 submitters: Uncertain significance (1); Likely benign (1). 1 of the submissions does not count toward it. Last evaluated 2025-12-11.

Conditions:
COL6A2-related disorder.
Bethlem myopathy 1A. Also called: MYOPATHY, BENIGN CONGENITAL, WITH CONTRACTURES; Bethlem myopathy 1; Bethlem Muscular Dystrophy. Identifiers: Orphanet 610, MedGen CN029274, MONDO:0024530, OMIM 158810.

Allele frequency attached by ClinVar (database versions not stated): ExAC 0.00005; gnomAD exomes 0.00006 and 0.00008; TOPMed 0.00007; gnomAD 0.00008 and 0.00009.
gnomAD v4.1: 120 of 1,610,630 alleles (0.0075%); highest among the groups gnomAD compares: Admixed American, 0.02%; no homozygotes.

Submissions (3):

Labcorp Genetics (formerly Invitae), Labcorp
Classification: Likely benign for Bethlem myopathy 1A. Last evaluated: 2025-12-11. Review status: criteria provided, single submitter. Criteria: Invitae Variant Classification Sherloc (09022015). Collection method: clinical testing. Allele origin: germline.

GeneDx
Classification: Uncertain significance. Last evaluated: 2023-05-10. Review status: criteria provided, single submitter. Criteria: GeneDx Variant Classification Process June 2021. Collection method: clinical testing. Allele origin: germline. Affected: yes.
Comment: Has not been previously published as pathogenic or benign to our knowledge; In silico analysis suggests this variant may impact gene splicing. In the absence of RNA/functional studies, the actual effect of this sequence change is unknown.

PreventionGenetics, part of Exact Sciences
Classification: Likely benign for COL6A2-related condition. Last evaluated: 2023-04-13. Review status: no assertion criteria provided. Collection method: clinical testing. Allele origin: germline. Not counted in ClinVar's aggregate classification.
Comment: This variant is classified as likely benign based on ACMG/AMP sequence variant interpretation guidelines (Richards et al. 2015 PMID: 25741868, with internal and published modifications).

NM_001849.4(COL6A2):c.116-6C>T

Gene: COL6A2 (collagen type VI alpha 2 chain; plus strand). Cytogenetic location: 21q22.3.
Variant type: single nucleotide variant.
Coding change: c.116-6C>T on transcript NM_001849.4 (MANE Select); 6 bases into the intron before coding-DNA position 116, C replaced by T.
Molecular consequence: intron variant.
Genome position (GRCh38, 1-based): chr21:46,111,973, C>T. VCF-style: chr21-46111973-C-T. GRCh37 (hg19) VCF-style: chr21-47531887-C-T.
Other names: c.116-6C>T (NM_058175.3, NM_058174.3).
Identifiers: ClinVar variation 543008 (VCV000543008.15), dbSNP rs761805565, ClinGen allele CA10071210.